The following is an entry in ClinVar:

NM_031418.4(ANO3):c.722G>T (p.Ser241Ile)

Gene: ANO3 (anoctamin 3; plus strand). Cytogenetic location: 11p14.2.
Variant type: single nucleotide variant.
Coding change: c.722G>T on transcript NM_031418.4 (MANE Select); coding-DNA position 722, G replaced by T.
Protein change: p.Ser241Ile; replaces serine 241 with isoleucine.
Molecular consequence: missense variant.
Genome position (GRCh38, 1-based): chr11:26,525,664, G>T. VCF-style: chr11-26525664-G-T. GRCh37 (hg19) VCF-style: chr11-26547211-G-T.
Other names: c.905G>T, p.Ser302Ile (NM_001313726.2); c.284G>T, p.Ser95Ile (NM_001313727.2); short protein forms S241I, S95I, S302I.
Identifiers: ClinVar variation 2958074 (VCV002958074.3), dbSNP rs2494945818, ClinGen allele CA379929333.
Genomic context (GRCh38, chr11:26,525,664, plus strand): 5'-TTTCCTTAGCTGTTTTCTATTATTTTTTCAGGAAAAAATGCTATTACACTGACGGGAGGA[G>T]CAAATCAATGGGCAGGTTGGTGGGTGATGAATCATTTCTTTATAACAAATTTGTCGTTTT-3'
Protein context (NP_113606.2, residues 231-251): RKKCYYTDGR[Ser241Ile]KSMGRMQTYF

ClinVar aggregate classification (germline): Uncertain significance (1 of 4 stars; one submission).

Conditions:
Dystonic disorder. Also called: Dystonia. Identifiers: MedGen C0013421, MONDO:0003441, HP:0001332.

Allele frequency attached by ClinVar (database versions not stated): gnomAD exomes below 0.00001.
gnomAD v4.1: 3 of 1,609,662 alleles (0.00019%); highest among the groups gnomAD compares: Non-Finnish European, 0.00025%; no homozygotes.

Submission:

Labcorp Genetics (formerly Invitae), Labcorp
Classification: Uncertain significance for Dystonic disorder. Last evaluated: 2025-07-14. Review status: criteria provided, single submitter. Criteria: Invitae Variant Classification Sherloc (09022015). Collection method: clinical testing. Allele origin: germline.
Comment: This sequence change replaces serine, which is neutral and polar, with isoleucine, which is neutral and non-polar, at codon 241 of the ANO3 protein (p.Ser241Ile). This variant is not present in population databases (gnomAD no frequency). This variant has not been reported in the literature in individuals affected with ANO3-related conditions. ClinVar contains an entry for this variant (Variation ID: 2958074). Invitae Evidence Modeling of protein sequence and biophysical properties (such as structural, functional, and spatial information, amino acid conservation, physicochemical variation, residue mobility, and thermodynamic stability) has been performed for this missense variant. However, the output from this modeling did not meet the statistical confidence thresholds required to predict the impact of this variant on ANO3 protein function. In summary, the available evidence is currently insufficient to determine the role of this variant in disease. Therefore, it has been classified as a Variant of Uncertain Significance.